The following is an entry in ClinVar:

ClinVar aggregate classification (germline): Uncertain significance. Review status: criteria provided, multiple submitters, no conflicts (2 of 4 stars). 2 submissions from 2 submitters: Uncertain significance (2). Last evaluated 2025-07-02.

Conditions:
Ehlers-Danlos syndrome, classic type, 1 (EDSCL1). Also called: EHLERS-DANLOS SYNDROME, GRAVIS TYPE; EHLERS-DANLOS SYNDROME, SEVERE CLASSIC TYPE; Ehlers-Danlos syndrome, type 1; Ehlers-Danlos Syndrome, Classic Type, COL5A1-Related; EDS I. Identifiers: MedGen C0268335, MONDO:0019567, OMIM 130000.
Osteogenesis imperfecta type I (OI1). Also called: OI, TYPE I; OSTEOGENESIS IMPERFECTA TARDA; OSTEOGENESIS IMPERFECTA WITH BLUE SCLERAE; Osteogenesis imperfecta type 1; Lobstein's Disease; Lobstein disease. Identifiers: Orphanet 216796, Orphanet 666, MedGen C0023931, MONDO:0008146, OMIM 166200. Disease mechanism: loss of function.

Submissions (2):

Labcorp Genetics (formerly Invitae), Labcorp
Classification: Uncertain significance for Osteogenesis imperfecta type I; Ehlers-Danlos syndrome, classic type, 1. Last evaluated: 2025-07-02. Review status: criteria provided, single submitter. Criteria: Invitae Variant Classification Sherloc (09022015). Collection method: clinical testing. Allele origin: germline.
Comment: This sequence change replaces alanine, which is neutral and non-polar, with serine, which is neutral and polar, at codon 962 of the COL1A2 protein (p.Ala962Ser). This variant is not present in population databases (gnomAD no frequency). This variant has not been reported in the literature in individuals affected with COL1A2-related conditions. ClinVar contains an entry for this variant (Variation ID: 3776401). Invitae Evidence Modeling of protein sequence and biophysical properties (such as structural, functional, and spatial information, amino acid conservation, physicochemical variation, residue mobility, and thermodynamic stability) indicates that this missense variant is not expected to disrupt COL1A2 protein function with a negative predictive value of 95%. In summary, the available evidence is currently insufficient to determine the role of this variant in disease. Therefore, it has been classified as a Variant of Uncertain Significance.

GeneDx
Classification: Uncertain significance. Last evaluated: 2024-10-06. Review status: criteria provided, single submitter. Criteria: GeneDx Variant Classification Process June 2021. Collection method: clinical testing. Allele origin: germline. Affected: yes.
Comment: Not observed at significant frequency in large population cohorts (gnomAD); In silico analysis indicates that this missense variant does not alter protein structure/function; Has not been previously published as pathogenic or benign to our knowledge; Occurs in the triple helical domain at the Y position in the canonical Gly-X-Y repeat. Although this variant may have an effect on normal protein folding and function, missense substitution at the Y position is not a common mechanism of disease (HGMD); Also known as p.(A872S)

NM_000089.4(COL1A2):c.2884G>T (p.Ala962Ser)

Gene: COL1A2 (collagen type I alpha 2 chain; plus strand). Cytogenetic location: 7q21.3.
Variant type: single nucleotide variant.
Coding change: c.2884G>T on transcript NM_000089.4 (MANE Select); coding-DNA position 2884, G replaced by T.
Protein change: p.Ala962Ser; replaces alanine 962 with serine.
Molecular consequence: missense variant.
Genome position (GRCh38, 1-based): chr7:94,425,798, G>T. VCF-style: chr7-94425798-G-T. GRCh37 (hg19) VCF-style: chr7-94055110-G-T.
Other names: short protein forms A962S.
Identifiers: ClinVar variation 3776401 (VCV003776401.2).